The following is an entry in ClinVar:

NM_005094.4(SLC27A4):c.899A>G (p.Gln300Arg)

Gene: SLC27A4 (solute carrier family 27 member 4; plus strand). Cytogenetic location: 9q34.11.
Variant type: single nucleotide variant.
Coding change: c.899A>G on transcript NM_005094.4 (MANE Select); coding-DNA position 899, A replaced by G.
Protein change: p.Gln300Arg; replaces glutamine 300 with arginine.
Molecular consequence: missense variant.
Genome position (GRCh38, 1-based): chr9:128,352,659, A>G. VCF-style: chr9-128352659-A-G. GRCh37 (hg19) VCF-style: chr9-131114938-A-G.
Other names: short protein forms Q300R.
Identifiers: ClinVar variation 5746 (VCV000005746.14), dbSNP rs137853134, ClinGen allele CA117716.

ClinVar aggregate classification (germline): Pathogenic/Likely pathogenic. Review status: criteria provided, multiple submitters, no conflicts (2 of 4 stars). 7 submissions from 7 submitters: Pathogenic (5); Likely pathogenic (1). 1 of the submissions does not count toward it. Last evaluated 2024-09-16.

Conditions:
Ichthyosis prematurity syndrome (IPS). Also called: ICHTHYOSIS CONGENITA IV. Identifiers: Orphanet 88621, MedGen C1837610, MONDO:0012089, OMIM 608649.
Lamellar ichthyosis. Identifiers: Orphanet 313, MedGen C5848247, MONDO:0017778.

Allele frequency attached by ClinVar (database versions not stated): gnomAD exomes 0.00004 and 0.00016; ExAC 0.00006; gnomAD 0.00006 and 0.00007; TOPMed 0.00006.

Submissions (7):

GeneDx
Classification: Pathogenic. Last evaluated: 2024-09-16. Review status: criteria provided, single submitter. Criteria: GeneDx Variant Classification Process June 2021. Collection method: clinical testing. Allele origin: germline. Affected: yes.
Comment: Published functional studies demonstrate a damaging effect of this variant (PMID: 31595490); In silico analysis supports that this missense variant has a deleterious effect on protein structure/function; Not observed at significant frequency in large population cohorts (gnomAD); This variant is associated with the following publications: (PMID: 31168818, Darwish2024[Abstract], 31595490, 19631310, 27224495)

Labcorp Genetics (formerly Invitae), Labcorp
Classification: Pathogenic. Last evaluated: 2024-02-16. Review status: criteria provided, single submitter. Criteria: Invitae Variant Classification Sherloc (09022015). Collection method: clinical testing. Allele origin: germline.
Comment: This sequence change replaces glutamine, which is neutral and polar, with arginine, which is basic and polar, at codon 300 of the SLC27A4 protein (p.Gln300Arg). This variant is present in population databases (rs137853134, gnomAD 0.01%). This missense change has been observed in individual(s) with ichthyosis prematurity syndrome (PMID: 19631310, 27224495). In at least one individual the data is consistent with being in trans (on the opposite chromosome) from a pathogenic variant. It has also been observed to segregate with disease in related individuals. ClinVar contains an entry for this variant (Variation ID: 5746). Advanced modeling of protein sequence and biophysical properties (such as structural, functional, and spatial information, amino acid conservation, physicochemical variation, residue mobility, and thermodynamic stability) performed at Invitae indicates that this missense variant is expected to disrupt SLC27A4 protein function with a positive predictive value of 80%. For these reasons, this variant has been classified as Pathogenic.

Women's Health and Genetics/Laboratory Corporation of America, LabCorp
Classification: Likely pathogenic for Lamellar ichthyosis. Last evaluated: 2023-10-03. Review status: criteria provided, single submitter. Criteria: LabCorp Variant Classification Summary - May 2015. Collection method: clinical testing. Allele origin: germline.
Comment: Variant summary: SLC27A4 c.899A>G (p.Gln300Arg) results in a conservative amino acid change located in the AMP-dependent synthetase/ligase domain (IPR000873) of the encoded protein sequence. Three of five in-silico tools predict a damaging effect of the variant on protein function. The variant allele was found at a frequency of 4.4e-05 in 251374 control chromosomes (gnomAD). This frequency is not significantly higher than estimated for a pathogenic variant in SLC27A4 causing Lamellar Ichthyosis (4.4e-05 vs 0.0005), allowing no conclusion about variant significance. c.899A>G has been reported in the literature in individuals affected with Lamellar Ichthyosis (examples: Lwin_2016 and Klar_2009). These data indicate that the variant is likely to be associated with disease. At least one publication reports experimental evidence evaluating an impact on protein function and demonstrated that this variant protein can inhibit 11-cis-retinol synthesis (Li_2020). The following publications have been ascertained in the context of this evaluation (PMID: 19631310, 31595490, 27224495). Three submitters have cited clinical-significance assessments for this variant to ClinVar after 2014. All submitters classified the variant as pathogenic. Based on the evidence outlined above, the variant was classified as likely pathogenic.

Department of Pathology and Laboratory Medicine, Sinai Health System
Classification: Pathogenic for Ichthyosis prematurity syndrome. Last evaluated: 2023-09-18. Review status: criteria provided, single submitter. Criteria: ACMG Guidelines, 2015. Collection method: research. Allele origin: germline.

Revvity Omics, Revvity
Classification: Pathogenic for Ichthyosis prematurity syndrome. Last evaluated: 2021-10-18. Review status: criteria provided, single submitter. Criteria: ACMG Guidelines, 2015. Collection method: clinical testing. Allele origin: germline.

Rady Children's Institute for Genomic Medicine, Rady Children's Hospital San Diego
Classification: Pathogenic for Ichthyosis prematurity syndrome. Last evaluated: 2020-03-25. Review status: criteria provided, single submitter. Criteria: ACMG Guidelines, 2015. Collection method: clinical testing. Allele origin: germline. Affected: yes.
Comment: This variant has been previously reported as a compound heterozygous change in multiple individuals with Ichthyosis Prematurity Syndrome (IPS; PMIDs: 19631310, 27224495, 21450060). The p.Gln300Arg variant is a frequent ancestral pathogenic variant in the Scandinavian population (PMID: 27224495). It is present in the heterozygous state in the gnomAD population database at a frequency of 0.0005% (14/282772) and thus is presumed to be rare. In silico analyses support a deleterious effect of the c.899A>G (p.Gln300Arg) variant on protein function. Based on the available evidence, the c.899A>G (p.Gln300Arg) variant is classified as Pathogenic.

OMIM
Classification: Pathogenic for ICHTHYOSIS PREMATURITY SYNDROME. Last evaluated: 2009-08-01. Review status: no assertion criteria provided. Collection method: literature only. Allele origin: germline. Not counted in ClinVar's aggregate classification.

Literature cited by the submitters: PubMed 19631310 (cited by 3 submitters); PubMed 27224495 (cited by Labcorp Genetics (formerly Invitae), Labcorp and Women's Health and Genetics/Laboratory Corporation of America, LabCorp); PubMed 31595490 (cited by Women's Health and Genetics/Laboratory Corporation of America, LabCorp).